The following is an entry in ClinVar:

NM_001330260.2(SCN8A):c.2323C>T (p.His775Tyr)

Gene: SCN8A (sodium voltage-gated channel alpha subunit 8; plus strand). Cytogenetic location: 12q13.13.
Variant type: single nucleotide variant.
Coding change: c.2323C>T on transcript NM_001330260.2 (MANE Select); coding-DNA position 2323, C replaced by T.
Protein change: p.His775Tyr; replaces histidine 775 with tyrosine.
Molecular consequence: missense variant.
Genome position (GRCh38, 1-based): chr12:51,751,546, C>T. VCF-style: chr12-51751546-C-T. GRCh37 (hg19) VCF-style: chr12-52145330-C-T.
Other names: c.2323C>T, p.His775Tyr (NM_001177984.3, NM_001369788.1, NM_014191.4); c.2323C>T (NM_001330260.1); short protein forms H775Y.
Identifiers: ClinVar variation 2848664 (VCV002848664.4), dbSNP rs1942595630, ClinGen allele CA384880128.

ClinVar aggregate classification (germline): Uncertain significance. Review status: criteria provided, multiple submitters, no conflicts (2 of 4 stars). 2 submissions from 2 submitters: Uncertain significance (2). Last evaluated 2026-02-03.

Conditions:
Early-infantile DEE. Also called: Ohtahara syndrome; Early infantile epileptic encephalopathy with suppression bursts; Early infantile epileptic encephalopathy. Identifiers: Orphanet 1934, MedGen C0393706, MONDO:0800491.

Allele frequency attached by ClinVar (database versions not stated): gnomAD 0.00001; TOPMed 0.00001.
gnomAD v4.1: 1 of 1,613,726 alleles (0.000062%); highest among the groups gnomAD compares: Admixed American, 0.0017%; no homozygotes.

Submissions (2):

GeneDx
Classification: Uncertain significance. Last evaluated: 2026-02-03. Review status: criteria provided, single submitter. Criteria: GeneDx Variant Classification Process June 2021. Collection method: clinical testing. Allele origin: germline.
Comment: Not observed at significant frequency in large population cohorts (gnomAD); This substitution is predicted to be within the extracellular loop between the S1 and S2 transmembrane segments of the second homologous domain; In silico analysis suggests that this missense variant does not alter protein structure/function; Has not been previously published as pathogenic or benign to our knowledge

Labcorp Genetics (formerly Invitae), Labcorp
Classification: Uncertain significance for Early-infantile DEE. Last evaluated: 2023-06-23. Review status: criteria provided, single submitter. Criteria: Invitae Variant Classification Sherloc (09022015). Collection method: clinical testing. Allele origin: germline.
Comment: This sequence change replaces histidine, which is basic and polar, with tyrosine, which is neutral and polar, at codon 775 of the SCN8A protein (p.His775Tyr). This variant is not present in population databases (gnomAD no frequency). This variant has not been reported in the literature in individuals affected with SCN8A-related conditions. Advanced modeling of protein sequence and biophysical properties (such as structural, functional, and spatial information, amino acid conservation, physicochemical variation, residue mobility, and thermodynamic stability) performed at Invitae indicates that this missense variant is not expected to disrupt SCN8A protein function. In summary, the available evidence is currently insufficient to determine the role of this variant in disease. Therefore, it has been classified as a Variant of Uncertain Significance.